The following is an entry in ClinVar:

NM_006269.2(RP1):c.1566C>A (p.Asn522Lys)

Gene: RP1 (RP1 axonemal microtubule associated; plus strand). Cytogenetic location: 8q12.1.
Variant type: single nucleotide variant.
Coding change: c.1566C>A on transcript NM_006269.2 (MANE Select); coding-DNA position 1566, C replaced by A.
Protein change: p.Asn522Lys; replaces asparagine 522 with lysine.
Molecular consequence: missense variant. On other transcripts: intron variant (1).
Genome position (GRCh38, 1-based): chr8:54,625,448, C>A. VCF-style: chr8-54625448-C-A. GRCh37 (hg19) VCF-style: chr8-55538008-C-A.
Other names: c.787+3160C>A (NM_001375654.1); short protein forms N522K.
Identifiers: ClinVar variation 1971983 (VCV001971983.5), dbSNP rs971459433, ClinGen allele CA177236790.

ClinVar aggregate classification (germline): Uncertain significance (1 of 4 stars; one submission).

gnomAD v4.1: 2 of 1,613,748 alleles (0.00012%); highest among the groups gnomAD compares: African/African-American, 0.0027%; no homozygotes.

Submission:

Labcorp Genetics (formerly Invitae), Labcorp
Classification: Uncertain significance. Last evaluated: 2023-06-16. Review status: criteria provided, single submitter. Criteria: Invitae Variant Classification Sherloc (09022015). Collection method: clinical testing. Allele origin: germline.
Comment: This variant is not present in population databases (gnomAD no frequency). This sequence change replaces asparagine, which is neutral and polar, with lysine, which is basic and polar, at codon 522 of the RP1 protein (p.Asn522Lys). In summary, the available evidence is currently insufficient to determine the role of this variant in disease. Therefore, it has been classified as a Variant of Uncertain Significance. An algorithm developed to predict the effect of missense changes on protein structure and function (PolyPhen-2) suggests that this variant is likely to be tolerated. ClinVar contains an entry for this variant (Variation ID: 1971983). This variant has not been reported in the literature in individuals affected with RP1-related conditions.